The following is an entry in ClinVar:

NM_133642.5(LARGE1):c.1994G>A (p.Arg665His)

Gene: LARGE1 (LARGE xylosyl- and glucuronyltransferase 1; minus strand). Cytogenetic location: 22q12.3.
Variant type: single nucleotide variant.
Coding change: c.1994G>A on transcript NM_133642.5 (MANE Select); coding-DNA position 1994, G replaced by A.
Protein change: p.Arg665His; replaces arginine 665 with histidine.
Molecular consequence: missense variant.
Genome position (GRCh38, 1-based): chr22:33,277,139, C>T on the plus strand (G>A on the coding strand, the complement: LARGE1 is on the minus strand). VCF-style: chr22-33277139-C-T. GRCh37 (hg19) VCF-style: chr22-33673125-C-T.
Other names: c.1994G>A, p.Arg665His (NM_001362949.2, NM_001362951.2, NM_001362953.2 and 4 more transcripts); c.1847G>A, p.Arg616His (NM_001378627.1, NM_001378628.1); c.1838G>A, p.Arg613His (NM_001378629.1); c.1391G>A, p.Arg464His (NM_001378630.1); c.1088G>A, p.Arg363His (NM_001378631.1); c.1994G>A (NM_004737.6); short protein forms R665H, R363H, R464H, R613H, R616H.
Identifiers: ClinVar variation 95171 (VCV000095171.62), dbSNP rs1046166, ClinGen allele CA148285.

ClinVar aggregate classification (germline): Benign/Likely benign. Review status: criteria provided, multiple submitters, no conflicts (2 of 4 stars). 12 submissions from 11 submitters: Benign (6); Likely benign (4). 2 of the submissions do not count toward it. Last evaluated 2026-09-01.

Conditions:
Muscular dystrophy-dystroglycanopathy (congenital with brain and eye anomalies), type A6. Also called: WALKER-WARBURG SYNDROME OR MUSCLE-EYE-BRAIN DISEASE, LARGE-RELATED; MUSCULAR DYSTROPHY-DYSTROGLYCANOPATHY (CONGENITAL WITH BRAIN AND EYE ANOMALIES), TYPE A, 6. Identifiers: Orphanet 588, Orphanet 899, MedGen C3150414, MONDO:0013158, OMIM 613154.
Muscular dystrophy-dystroglycanopathy type B6 (MDDGB6). Also called: MUSCULAR DYSTROPHY-DYSTROGLYCANOPATHY (CONGENITAL WITH IMPAIRED INTELLECTUAL DEVELOPMENT), TYPE B, 6; MUSCULAR DYSTROPHY, CONGENITAL, LARGE-RELATED; MUSCULAR DYSTROPHY, CONGENITAL, TYPE 1D. Identifiers: MedGen C1837229, MONDO:0012138, OMIM 608840.

Allele frequency attached by ClinVar (database versions not stated): gnomAD 0.00617 and 0.00564; TOPMed 0.00720; 1000 Genomes Project 30x 0.00219; gnomAD exomes 0.00527; ESP Exome Variant Server 0.00784; 1000 Genomes Project 0.00240; ExAC 0.00503.
gnomAD v4.1: 14,996 of 1,614,246 alleles (0.93%); highest among the groups gnomAD compares: Non-Finnish European, 1.2%; 101 homozygotes.

Submissions (12):

CeGaT Center for Human Genetics Tuebingen
Classification: Benign. Last evaluated: 2026-09-01. Review status: criteria provided, single submitter. Criteria: CeGaT Center For Human Genetics Tuebingen Variant Classification Criteria Version 2. Collection method: clinical testing. Allele origin: germline. Affected: yes. Observed: 42 variant alleles.
Comment: LARGE1: BS1, BS2

Labcorp Genetics (formerly Invitae), Labcorp
Classification: Benign for Muscular dystrophy-dystroglycanopathy type B6. Last evaluated: 2026-02-04. Review status: criteria provided, single submitter. Criteria: Invitae Variant Classification Sherloc (09022015). Collection method: clinical testing. Allele origin: germline.

Athena Diagnostics
Classification: Likely benign. Last evaluated: 2024-05-03. Review status: criteria provided, single submitter. Criteria: Athena Diagnostics Criteria. Collection method: clinical testing. Allele origin: unknown.

Mayo Clinic Laboratories, Mayo Clinic
Classification: Benign. Last evaluated: 2018-08-21. Review status: criteria provided, single submitter. Criteria: ACMG Guidelines, 2015. Collection method: clinical testing. Allele origin: germline. Observed: 19 variant alleles.

Illumina Laboratory Services, Illumina
Classification: Likely benign for Muscular dystrophy-dystroglycanopathy type B6. Last evaluated: 2018-01-13. Review status: criteria provided, single submitter. Criteria: ICSL Variant Classification Criteria 13 December 2019. Collection method: clinical testing. Allele origin: germline.
Comment: This variant was observed in the ICSL laboratory as part of a predisposition screen in an ostensibly healthy population. It had not been previously curated by ICSL or reported in the Human Gene Mutation Database (HGMD: prior to June 1st, 2018), and was therefore a candidate for classification through an automated scoring system. Utilizing variant allele frequency, disease prevalence and penetrance estimates, and inheritance mode, an automated score was calculated to assess if this variant is too frequent to cause the disease. Based on the score and internal cut-off values, a variant classified as likely benign is not then subjected to further curation. The score for this variant resulted in a classification of likely benign for this disease.

Illumina Laboratory Services, Illumina
Classification: Likely benign for Muscular dystrophy-dystroglycanopathy (congenital with brain and eye anomalies), type A6. Last evaluated: 2018-01-13. Review status: criteria provided, single submitter. Criteria: ICSL Variant Classification Criteria 13 December 2019. Collection method: clinical testing. Allele origin: germline.
Comment: the same text as in the submission from Illumina Laboratory Services, Illumina above.

GeneDx
Classification: Benign. Last evaluated: 2016-07-11. Review status: criteria provided, single submitter. Criteria: GeneDx Variant Classification (06012015). Collection method: clinical testing. Allele origin: germline. Affected: yes.
Comment: This variant is considered likely benign or benign based on one or more of the following criteria: it is a conservative change, it occurs at a poorly conserved position in the protein, it is predicted to be benign by multiple in silico algorithms, and/or has population frequency not consistent with disease.

Genetic Services Laboratory, University of Chicago
Classification: Benign. Last evaluated: 2014-04-22. Review status: criteria provided, single submitter. Criteria: ACMG Guidelines, 2007. Collection method: clinical testing. Allele origin: germline. Inheritance: Autosomal recessive inheritance.

Eurofins Ntd Llc (ga)
Classification: Benign. Last evaluated: 2012-11-15. Review status: criteria provided, single submitter. Criteria: EGL Classification Definitions 2015. Collection method: clinical testing. Allele origin: germline. Observed: 1 variant allele, 1 heterozygote.

Breakthrough Genomics
Classification: Likely benign. Review status: criteria provided, single submitter. Criteria: ACMG Guidelines, 2015. Collection method: not provided. Allele origin: germline. Inheritance: Autosomal recessive inheritance. Affected: yes.

Clinical Genetics DNA and cytogenetics Diagnostics Lab, Erasmus MC, Erasmus Medical Center
Classification: Likely benign. Review status: no assertion criteria provided. Collection method: clinical testing. Allele origin: germline. Affected: yes. Study: VKGL Data-share Consensus. Not counted in ClinVar's aggregate classification.

Genome Diagnostics Laboratory, University Medical Center Utrecht
Classification: Likely benign. Review status: no assertion criteria provided. Collection method: clinical testing. Allele origin: germline. Affected: yes. Study: VKGL Data-share Consensus. Not counted in ClinVar's aggregate classification.

Literature cited by the submitters: PubMed 38229655 (cited by Athena Diagnostics); PubMed 29970176 (cited by Athena Diagnostics); PubMed 17878207 (cited by Athena Diagnostics).